The following is an entry in ClinVar:

ClinVar aggregate classification (germline): Uncertain significance (1 of 4 stars; one submission).

Submission:

Ambry Genetics
Classification: Uncertain significance. Last evaluated: 2025-04-25. Review status: criteria provided, single submitter. Criteria: Ambry Variant Classification Scheme 2023. Collection method: clinical testing. Allele origin: germline.
Comment: The p.G356E variant (also known as c.1067G>A), located in coding exon 8 of the ATRIP gene, results from a G to A substitution at nucleotide position 1067. The glycine at codon 356 is replaced by glutamic acid, an amino acid with similar properties. This amino acid position is conserved. In addition, this alteration is predicted to be tolerated by in silico analysis. Based on the available evidence, the clinical significance of this variant remains unclear.

NM_130384.3(ATRIP):c.1067G>A (p.Gly356Glu)

Genes: ATRIP (ATR interacting protein; plus strand), ATRIP-TREX1 (ATRIP-TREX1 readthrough; plus strand). Cytogenetic location: 3p21.31.
Variant type: single nucleotide variant.
Coding change: c.1067G>A on transcript NM_130384.3 (MANE Select); coding-DNA position 1067, G replaced by A.
Protein change: p.Gly356Glu; replaces glycine 356 with glutamic acid.
Molecular consequence: missense variant. On other transcripts: non-coding transcript variant (1).
Genome position (GRCh38, 1-based): chr3:48,460,121, G>A. VCF-style: chr3-48460121-G-A. GRCh37 (hg19) VCF-style: chr3-48501520-G-A.
Other names: c.686G>A, p.Gly229Glu (NM_001271022.2); c.788G>A, p.Gly263Glu (NM_001271023.2); c.1067G>A, p.Gly356Glu (NM_032166.4); short protein forms G229E, G356E, G263E.
Identifiers: ClinVar variation 3976348 (VCV003976348.1).